The following is an entry in ClinVar:

ClinVar aggregate classification (germline): Pathogenic (1 of 4 stars; one submission).

Submission:

Labcorp Genetics (formerly Invitae), Labcorp
Classification: Pathogenic. Last evaluated: 2023-11-20. Review status: criteria provided, single submitter. Criteria: Invitae Variant Classification Sherloc (09022015). Collection method: clinical testing. Allele origin: germline.
Comment: This sequence change creates a premature translational stop signal (p.Gln363*) in the TSEN54 gene. It is expected to result in an absent or disrupted protein product. Loss-of-function variants in TSEN54 are known to be pathogenic (PMID: 18711368, 20952379). This variant is not present in population databases (gnomAD no frequency). This variant has not been reported in the literature in individuals affected with TSEN54-related conditions. For these reasons, this variant has been classified as Pathogenic.

Literature cited by the submitters: PubMed 18711368; PubMed 20952379.

NM_207346.3(TSEN54):c.1087C>T (p.Gln363Ter)

Gene: TSEN54 (tRNA splicing endonuclease subunit 54; plus strand). Cytogenetic location: 17q25.1.
Variant type: single nucleotide variant.
Coding change: c.1087C>T on transcript NM_207346.3 (MANE Select); coding-DNA position 1087, C replaced by T.
Protein change: p.Gln363Ter; replaces glutamine 363 with a stop codon.
Molecular consequence: nonsense.
Genome position (GRCh38, 1-based): chr17:75,522,168, C>T. VCF-style: chr17-75522168-C-T. GRCh37 (hg19) VCF-style: chr17-73518249-C-T.
Other names: short protein forms Q363*.
Identifiers: ClinVar variation 2697775 (VCV002697775.3), dbSNP rs2546157288, ClinGen allele CA401029797.